The following is an entry in ClinVar:

ClinVar aggregate classification (germline): Uncertain significance. Review status: criteria provided, multiple submitters, no conflicts (2 of 4 stars). 2 submissions from 2 submitters: Uncertain significance (2). Last evaluated 2025-01-28.

Allele frequency attached by ClinVar (database versions not stated): gnomAD exomes below 0.00001.

Submissions (2):

Ambry Genetics
Classification: Uncertain significance. Last evaluated: 2025-01-28. Review status: criteria provided, single submitter. Criteria: Ambry Variant Classification Scheme 2023. Collection method: clinical testing. Allele origin: germline.
Comment: The p.F61C variant (also known as c.182T>G), located in coding exon 2 of the SRP72 gene, results from a T to G substitution at nucleotide position 182. The phenylalanine at codon 61 is replaced by cysteine, an amino acid with highly dissimilar properties. This amino acid position is conserved. In addition, this alteration is predicted to be deleterious by in silico analysis. Based on the available evidence, the clinical significance of this variant remains unclear.

Labcorp Genetics (formerly Invitae), Labcorp
Classification: Uncertain significance. Last evaluated: 2022-08-19. Review status: criteria provided, single submitter. Criteria: Invitae Variant Classification Sherloc (09022015). Collection method: clinical testing. Allele origin: germline.
Comment: This sequence change replaces phenylalanine, which is neutral and non-polar, with cysteine, which is neutral and slightly polar, at codon 61 of the SRP72 protein (p.Phe61Cys). This variant is present in population databases (no rsID available, gnomAD 0.007%). This variant has not been reported in the literature in individuals affected with SRP72-related conditions. ClinVar contains an entry for this variant (Variation ID: 1428940). Algorithms developed to predict the effect of missense changes on protein structure and function are either unavailable or do not agree on the potential impact of this missense change (SIFT: "Deleterious"; PolyPhen-2: "Probably Damaging"; Align-GVGD: "Class C0"). In summary, the available evidence is currently insufficient to determine the role of this variant in disease. Therefore, it has been classified as a Variant of Uncertain Significance.

NM_006947.4(SRP72):c.182T>G (p.Phe61Cys)

Gene: SRP72 (signal recognition particle 72; plus strand). Cytogenetic location: 4q12.
Variant type: single nucleotide variant.
Coding change: c.182T>G on transcript NM_006947.4 (MANE Select); coding-DNA position 182, T replaced by G.
Protein change: p.Phe61Cys; replaces phenylalanine 61 with cysteine.
Molecular consequence: missense variant. On other transcripts: non-coding transcript variant (1).
Genome position (GRCh38, 1-based): chr4:56,469,725, T>G. VCF-style: chr4-56469725-T-G. GRCh37 (hg19) VCF-style: chr4-57335891-T-G.
Other names: c.182T>G, p.Phe61Cys (NM_001267722.2); c.182T>G (NM_006947.3); short protein forms F61C.
Identifiers: ClinVar variation 1428940 (VCV001428940.7), dbSNP rs1224432747, ClinGen allele CA356995884.